The following is an entry in ClinVar:

ClinVar aggregate classification (germline): Uncertain significance (1 of 4 stars; one submission).

Submission:

GeneDx
Classification: Uncertain significance. Last evaluated: 2019-12-24. Review status: criteria provided, single submitter. Criteria: GeneDx Variant Classification Process June 2021. Collection method: clinical testing. Allele origin: germline. Affected: yes.
Comment: Not observed at a significant frequency in large population cohorts (Lek et al., 2016); In silico analysis, which includes protein predictors and evolutionary conservation, supports that this variant does not alter protein structure/function; Has not been previously published as pathogenic or benign to our knowledge

NM_005219.5(DIAPH1):c.3812C>T (p.Ala1271Val)

Gene: DIAPH1 (diaphanous related formin 1; minus strand). Cytogenetic location: 5q31.3.
Variant type: single nucleotide variant.
Coding change: c.3812C>T on transcript NM_005219.5 (MANE Select); coding-DNA position 3812, C replaced by T.
Protein change: p.Ala1271Val; replaces alanine 1271 with valine.
Molecular consequence: missense variant. On other transcripts: 3 prime UTR variant (1).
Genome position (GRCh38, 1-based): chr5:141,516,858, G>A on the plus strand (C>T on the coding strand, the complement: DIAPH1 is on the minus strand). VCF-style: chr5-141516858-G-A. GRCh37 (hg19) VCF-style: chr5-140896425-G-A.
Other names: c.3785C>T, p.Ala1262Val (NM_001079812.3); c.*112C>T (NM_001314007.2); short protein forms A1262V, A1271V.
Identifiers: ClinVar variation 1311416 (VCV001311416.2), dbSNP rs2154594795, ClinGen allele CA361571671.
Genomic context (GRCh38, chr5:141,516,858, plus strand): 5'-GGCAGGACAGTCTGCGGCTCCGCTGAGGAGCTGCCGCGGTCACAGGACCCACATTAGCTT[G>A]CACGGCCAACCAACTCCTTGGCTTCCTCAAGGATTGTGGGGAATGTCTCACTGTTCTTGG-3'
Protein context (NP_005210.3, residues 1261-1272): LEEAKELVGR[Ala1271Val]S